The following is an entry in ClinVar:

ClinVar aggregate classification (germline): Uncertain significance. Review status: criteria provided, multiple submitters, no conflicts (2 of 4 stars). 4 submissions from 4 submitters: Uncertain significance (4). Last evaluated 2025-08-05.

Conditions:
Hereditary cancer-predisposing syndrome. Also called: Neoplastic Syndromes, Hereditary; Hereditary neoplastic syndrome; Tumor predisposition; Hereditary Cancer Syndrome. Identifiers: Orphanet 140162, MedGen C0027672, MeSH D009386, MONDO:0015356.
Multiple endocrine neoplasia, type 1 (MEN1). Also called: Endocrine adenomatosis multiple; MEN 1; MEA I; MEN I; WERMER SYNDROME. Identifiers: Orphanet 652, MedGen C0025267, MeSH D018761, MONDO:0007540, OMIM 131100.

gnomAD v4.1: 1 of 1,614,218 alleles (0.000062%); highest among the groups gnomAD compares: Non-Finnish European, 0.000085%; no homozygotes.

Submissions (4):

Color Diagnostics, LLC DBA Color Health
Classification: Uncertain significance for Multiple endocrine neoplasia, type 1. Last evaluated: 2025-08-05. Review status: criteria provided, single submitter. Criteria: ACMG Guidelines, 2015. Collection method: clinical testing. Allele origin: germline.
Comment: This missense variant replaces valine with leucine at codon 236 of the MEN1 protein. Computational prediction suggests that this variant may have deleterious impact on protein structure and function. To our knowledge, functional studies have not been reported for this variant. This variant has not been reported in individuals affected with MEN1-related disorders in the literature. This variant has not been identified in the general population by the Genome Aggregation Database (gnomAD). The available evidence is insufficient to determine the role of this variant in disease conclusively. Therefore, this variant is classified as a Variant of Uncertain Significance.

Ambry Genetics
Classification: Uncertain significance for Hereditary cancer-predisposing syndrome. Last evaluated: 2025-05-03. Review status: criteria provided, single submitter. Criteria: Ambry Variant Classification Scheme 2023. Collection method: clinical testing. Allele origin: germline.
Comment: The p.V236L variant (also known as c.706G>T), located in coding exon 3 of the MEN1 gene, results from a G to T substitution at nucleotide position 706. The valine at codon 236 is replaced by leucine, an amino acid with highly similar properties. This amino acid position is highly conserved in available vertebrate species. In addition, this alteration is predicted to be deleterious by in silico analysis. Based on the available evidence, the clinical significance of this variant remains unclear.

Quest Diagnostics Nichols Institute San Juan Capistrano
Classification: Uncertain significance. Last evaluated: 2024-02-09. Review status: criteria provided, single submitter. Criteria: Quest Diagnostics criteria. Collection method: clinical testing. Allele origin: unknown.

Labcorp Genetics (formerly Invitae), Labcorp
Classification: Uncertain significance for Multiple endocrine neoplasia, type 1. Last evaluated: 2023-10-13. Review status: criteria provided, single submitter. Criteria: Invitae Variant Classification Sherloc (09022015). Collection method: clinical testing. Allele origin: germline.
Comment: This sequence change replaces valine, which is neutral and non-polar, with leucine, which is neutral and non-polar, at codon 236 of the MEN1 protein (p.Val236Leu). This variant is not present in population databases (gnomAD no frequency). This variant has not been reported in the literature in individuals affected with MEN1-related conditions. ClinVar contains an entry for this variant (Variation ID: 2013855). Advanced modeling of protein sequence and biophysical properties (such as structural, functional, and spatial information, amino acid conservation, physicochemical variation, residue mobility, and thermodynamic stability) performed at Invitae indicates that this missense variant is expected to disrupt MEN1 protein function. In summary, the available evidence is currently insufficient to determine the role of this variant in disease. Therefore, it has been classified as a Variant of Uncertain Significance.

NM_001370259.2(MEN1):c.706G>T (p.Val236Leu)

Gene: MEN1 (menin 1; minus strand). Cytogenetic location: 11q13.1.
Variant type: single nucleotide variant.
Coding change: c.706G>T on transcript NM_001370259.2 (MANE Select); coding-DNA position 706, G replaced by T.
Protein change: p.Val236Leu; replaces valine 236 with leucine.
Molecular consequence: missense variant.
Genome position (GRCh38, 1-based): chr11:64,807,629, C>A on the plus strand (G>T on the coding strand, the complement: MEN1 is on the minus strand). VCF-style: chr11-64807629-C-A. GRCh37 (hg19) VCF-style: chr11-64575101-C-A.
Other names: c.721G>T, p.Val241Leu (NM_000244.4, NM_001407145.1, NM_001407150.1 and 5 more transcripts); c.706G>T, p.Val236Leu (NM_001370251.2, NM_001370260.2, NM_001370261.2 and 7 more transcripts); c.601G>T, p.Val201Leu (NM_001370262.2, NM_001370263.2, NM_001407148.1 and 2 more transcripts); short protein forms V236L, V241L, V201L.
Identifiers: ClinVar variation 2013855 (VCV002013855.7), dbSNP rs2136141961, ClinGen allele CA381184570.
Genomic context (GRCh38, chr11:64,807,629, plus strand): 5'-GCTCCAGCGAGTCGGTGTGCAGGTCAATGGAAGGGTTGATGGCACACACCATGAACGCCA[C>A]CTCCATCTTGCGGTCACAGCGCATGTATGATCCTTTCAGGTACAGCCAGCTCTTAGGGGG-3'
Protein context (NP_001357188.2, residues 226-246): SYMRCDRKME[Val236Leu]AFMVCAINPS